The following is an entry in ClinVar:

NM_000059.4(BRCA2):c.5055A>G (p.Ser1685=)

Gene: BRCA2 (BRCA2 DNA repair associated; plus strand). Cytogenetic location: 13q13.1.
Variant type: single nucleotide variant.
Coding change: c.5055A>G on transcript NM_000059.4 (MANE Select); coding-DNA position 5055, A replaced by G.
Protein change: p.Ser1685=; no amino-acid change (serine 1685 retained).
Molecular consequence: synonymous variant.
Genome position (GRCh38, 1-based): chr13:32,339,410, A>G. VCF-style: chr13-32339410-A-G. GRCh37 (hg19) VCF-style: chr13-32913547-A-G.
Identifiers: ClinVar variation 135802 (VCV000135802.3), dbSNP rs587780654, ClinGen allele CA021190.

ClinVar aggregate classification (germline): Likely benign. Review status: reviewed by expert panel (3 of 4 stars). 2 submissions from 2 submitters: Likely benign (1). 1 of the submissions does not count toward it. Last evaluated 2017-06-29.

Conditions:
Hereditary breast ovarian cancer syndrome. Also called: Hereditary breast and ovarian cancer syndrome; Hereditary breast and ovarian cancer; Hereditary breast and ovarian cancer syndrome (HBOC); Breast and ovarian cancer; BRCA1- and BRCA2-Associated Hereditary Breast and Ovarian Cancer; Hereditary breast and/or ovarian cancer syndrome. Identifiers: Orphanet 145, MedGen C0677776, MeSH D061325, MONDO:0003582. Disease mechanism: loss of function.
Breast-ovarian cancer, familial, susceptibility to, 2 (BROVCA2). Also called: BRCA2 Hereditary Breast and Ovarian Cancer. Identifiers: Orphanet 145, MedGen C2675520, MONDO:0012933, OMIM 612555. Disease mechanism: loss of function.

Submissions (2):

Evidence-based Network for the Interpretation of Germline Mutant Alleles (ENIGMA)
Classification: Likely benign for Breast-ovarian cancer, familial, susceptibility to, 2. Last evaluated: 2017-06-29. Review status: reviewed by expert panel. Criteria: ENIGMA BRCA1/2 Classification Criteria (2017-06-29). Collection method: curation. Allele origin: germline.
Comment: Synonymous substitution variant, with low bioinformatic likelihood to result in a splicing aberration (Splicing prior probability 0.02).

Labcorp Genetics (formerly Invitae), Labcorp
Classification: Likely benign for BRCA1 and BRCA2 Hereditary Breast and Ovarian Cancer. Last evaluated: 2014-11-06. Review status: no assertion criteria provided. Collection method: clinical testing. Allele origin: germline. Not counted in ClinVar's aggregate classification.